The following is an entry in ClinVar:

NM_005188.4(CBL):c.2420G>A (p.Gly807Asp)

Gene: CBL (Cbl proto-oncogene; plus strand). Cytogenetic location: 11q23.3.
Variant type: single nucleotide variant.
Coding change: c.2420G>A on transcript NM_005188.4 (MANE Select); coding-DNA position 2420, G replaced by A.
Protein change: p.Gly807Asp; replaces glycine 807 with aspartic acid.
Molecular consequence: missense variant.
Genome position (GRCh38, 1-based): chr11:119,298,526, G>A. VCF-style: chr11-119298526-G-A. GRCh37 (hg19) VCF-style: chr11-119169236-G-A.
Other names: c.2420G>A (NM_005188.2); short protein forms G807D.
Identifiers: ClinVar variation 2723946 (VCV002723946.4), dbSNP rs1293321507, ClinGen allele CA382930399.

ClinVar aggregate classification (germline): Uncertain significance. Review status: criteria provided, multiple submitters, no conflicts (2 of 4 stars). 2 submissions from 2 submitters: Uncertain significance (2). Last evaluated 2025-03-29.

Conditions:
Cardiovascular phenotype. Identifiers: MedGen CN230736.
RASopathy. Also called: Noonan spectrum disorder; rasopathies. Identifiers: Orphanet 536391, MedGen C5555857, MONDO:0021060.

Allele frequency attached by ClinVar (database versions not stated): TOPMed below 0.00001; gnomAD 0.00001.

Submissions (2):

Ambry Genetics
Classification: Uncertain significance for Cardiovascular phenotype. Last evaluated: 2025-03-29. Review status: criteria provided, single submitter. Criteria: Ambry Variant Classification Scheme 2023. Collection method: clinical testing. Allele origin: germline.
Comment: The p.G807D variant (also known as c.2420G>A), located in coding exon 15 of the CBL gene, results from a G to A substitution at nucleotide position 2420. The glycine at codon 807 is replaced by aspartic acid, an amino acid with similar properties. This amino acid position is conserved. In addition, this alteration is predicted to be tolerated by in silico analysis. Based on the available evidence, the clinical significance of this variant remains unclear.

Labcorp Genetics (formerly Invitae), Labcorp
Classification: Uncertain significance for RASopathy. Last evaluated: 2023-06-22. Review status: criteria provided, single submitter. Criteria: Invitae Variant Classification Sherloc (09022015). Collection method: clinical testing. Allele origin: germline.
Comment: This sequence change replaces glycine, which is neutral and non-polar, with aspartic acid, which is acidic and polar, at codon 807 of the CBL protein (p.Gly807Asp). This variant is not present in population databases (gnomAD no frequency). This variant has not been reported in the literature in individuals affected with CBL-related conditions. Advanced modeling of protein sequence and biophysical properties (such as structural, functional, and spatial information, amino acid conservation, physicochemical variation, residue mobility, and thermodynamic stability) performed at Invitae indicates that this missense variant is not expected to disrupt CBL protein function. In summary, the available evidence is currently insufficient to determine the role of this variant in disease. Therefore, it has been classified as a Variant of Uncertain Significance.